The following is an entry in ClinVar:

NM_000059.4(BRCA2):c.9551T>C (p.Leu3184Pro)

Gene: BRCA2 (BRCA2 DNA repair associated; plus strand). Cytogenetic location: 13q13.1.
Variant type: single nucleotide variant.
Coding change: c.9551T>C on transcript NM_000059.4 (MANE Select); coding-DNA position 9551, T replaced by C.
Protein change: p.Leu3184Pro; replaces leucine 3184 with proline.
Molecular consequence: missense variant.
Genome position (GRCh38, 1-based): chr13:32,396,947, T>C. VCF-style: chr13-32396947-T-C. GRCh37 (hg19) VCF-style: chr13-32971084-T-C.
Other names: short protein forms L3184P.
Identifiers: ClinVar variation 216265 (VCV000216265.17), dbSNP rs863224601, ClinGen allele CA337063.

ClinVar aggregate classification (germline): Conflicting classifications of pathogenicity. Review status: criteria provided, conflicting classifications (1 of 4 stars). 3 submissions from 3 submitters: Uncertain significance (2); Likely benign (1). Last evaluated 2025-05-16.

Conditions:
Hereditary cancer-predisposing syndrome. Also called: Hereditary Cancer Syndrome; Hereditary neoplastic syndrome; Neoplastic Syndromes, Hereditary; Tumor predisposition. Identifiers: Orphanet 140162, MedGen C0027672, MeSH D009386, MONDO:0015356.
Hereditary breast ovarian cancer syndrome. Also called: Hereditary breast and/or ovarian cancer syndrome; Breast and ovarian cancer; BRCA1- and BRCA2-Associated Hereditary Breast and Ovarian Cancer; Hereditary breast and ovarian cancer syndrome; Hereditary breast and ovarian cancer syndrome (HBOC); Hereditary breast and ovarian cancer. Identifiers: Orphanet 145, MedGen C0677776, MeSH D061325, MONDO:0003582. Disease mechanism: loss of function.

Allele frequency attached by ClinVar (database versions not stated): gnomAD 0.00001.
gnomAD v4.1: 1 of 1,613,992 alleles (0.000062%); highest among the groups gnomAD compares: Admixed American, 0.0017%; no homozygotes.

Submissions (3):

Ambry Genetics
Classification: Likely benign for Hereditary cancer-predisposing syndrome. Last evaluated: 2025-05-16. Review status: criteria provided, single submitter. Criteria: Ambry Variant Classification Scheme 2023. Collection method: clinical testing. Allele origin: germline.

Color Diagnostics, LLC DBA Color Health
Classification: Uncertain significance for Hereditary cancer-predisposing syndrome. Last evaluated: 2019-04-02. Review status: criteria provided, single submitter. Criteria: ACMG Guidelines, 2015. Collection method: clinical testing. Allele origin: germline.

Labcorp Genetics (formerly Invitae), Labcorp
Classification: Uncertain significance for Hereditary breast ovarian cancer syndrome. Last evaluated: 2015-01-21. Review status: criteria provided, single submitter. Criteria: Invitae Variant Classification Sherloc (09022015). Collection method: clinical testing. Allele origin: germline.
Comment: In summary, this is a novel missense change with uncertain impact on protein function. It has been classified as a Variant of Uncertain Significance. This sequence change replaces leucine with proline at codon 3184 of the BRCA2 protein (p.Leu3184Pro). The leucine residue is moderately conserved and there is a moderate physicochemical difference between leucine and proline. This variant has not been published in the literature and is not present in population databases. Algorithms developed to predict the effect of missense changes on protein structure and function do not agree on the potential impact of this missense change (SIFT: "Deleterious"; PolyPhen-2: "Probably Damaging"; Align-GVGD: "Class C0").